The following is an entry in ClinVar:

NM_001042492.3(NF1):c.7776T>A (p.His2592Gln)

Gene: NF1 (neurofibromin 1; plus strand). Cytogenetic location: 17q11.2.
Variant type: single nucleotide variant.
Coding change: c.7776T>A on transcript NM_001042492.3 (MANE Select); coding-DNA position 7776, T replaced by A.
Protein change: p.His2592Gln; replaces histidine 2592 with glutamine.
Molecular consequence: missense variant.
Genome position (GRCh38, 1-based): chr17:31,356,997, T>A. VCF-style: chr17-31356997-T-A. GRCh37 (hg19) VCF-style: chr17-29684015-T-A.
Other names: c.7713T>A, p.His2571Gln (NM_000267.4); short protein forms H2571Q, H2592Q.
Identifiers: ClinVar variation 484121 (VCV000484121.14), dbSNP rs1555536692, ClinGen allele CA399018432.
Genomic context (GRCh38, chr17:31,356,997, plus strand): 5'-GTTAATTCCCTATCTTGCTGCAGAAACTCAGAGGATTTCCTCATCACAACAGCACCCACA[T>A]TTACGTAAAGTTTCAGTGTCTGAATCAAATGTTCTCTTGGATGAAGAAGTACTTACTGAT-3'
Protein context (NP_001035957.1, residues 2582-2602): QRISSSQQHP[His2592Gln]LRKVSVSESN

ClinVar aggregate classification (germline): Conflicting classifications of pathogenicity. Review status: criteria provided, conflicting classifications (1 of 4 stars). 3 submissions from 3 submitters: Uncertain significance (2); Likely benign (1). Last evaluated 2025-10-30.

Conditions:
Cardiovascular phenotype. Identifiers: MedGen CN230736.
Hereditary cancer-predisposing syndrome. Also called: Hereditary neoplastic syndrome; Neoplastic Syndromes, Hereditary; Tumor predisposition; Hereditary Cancer Syndrome. Identifiers: Orphanet 140162, MedGen C0027672, MeSH D009386, MONDO:0015356.
Neurofibromatosis, type 1 (NF1). Also called: VON RECKLINGHAUSEN DISEASE; Peripheral type neurofibromatosis; NEUROFIBROMATOSIS, TYPE I, SOMATIC; Neurofibromatosis, type I. Identifiers: Orphanet 636, MedGen C0027831, MONDO:0018975, OMIM 162200. Disease mechanism: loss of function.

Submissions (3):

Ambry Genetics
Classification: Likely benign for Cardiovascular phenotype; Hereditary cancer-predisposing syndrome. Last evaluated: 2025-10-30. Review status: criteria provided, single submitter. Criteria: Ambry Variant Classification Scheme 2023. Collection method: clinical testing. Allele origin: germline.

Labcorp Genetics (formerly Invitae), Labcorp
Classification: Uncertain significance for Neurofibromatosis, type 1. Last evaluated: 2024-04-10. Review status: criteria provided, single submitter. Criteria: Invitae Variant Classification Sherloc (09022015). Collection method: clinical testing. Allele origin: germline.
Comment: This sequence change replaces histidine, which is basic and polar, with glutamine, which is neutral and polar, at codon 2571 of the NF1 protein (p.His2571Gln). This variant is not present in population databases (gnomAD no frequency). This variant has not been reported in the literature in individuals affected with NF1-related conditions. ClinVar contains an entry for this variant (Variation ID: 484121). Advanced modeling of protein sequence and biophysical properties (such as structural, functional, and spatial information, amino acid conservation, physicochemical variation, residue mobility, and thermodynamic stability) performed at Invitae indicates that this missense variant is not expected to disrupt NF1 protein function with a negative predictive value of 95%. In summary, the available evidence is currently insufficient to determine the role of this variant in disease. Therefore, it has been classified as a Variant of Uncertain Significance.

Genome-Nilou Lab
Classification: Uncertain significance for Neurofibromatosis, type 1. Last evaluated: 2022-03-15. Review status: criteria provided, single submitter. Criteria: ACMG Guidelines, 2015. Collection method: clinical testing. Allele origin: germline. Affected: no.